The following is an entry in ClinVar:

NM_024408.4(NOTCH2):c.3319A>G (p.Ile1107Val)

Gene: NOTCH2 (notch receptor 2; minus strand). Cytogenetic location: 1p12.
Variant type: single nucleotide variant.
Coding change: c.3319A>G on transcript NM_024408.4 (MANE Select); coding-DNA position 3319, A replaced by G.
Protein change: p.Ile1107Val; replaces isoleucine 1107 with valine.
Molecular consequence: missense variant.
Genome position (GRCh38, 1-based): chr1:119,937,875, T>C on the plus strand (A>G on the coding strand, the complement: NOTCH2 is on the minus strand). VCF-style: chr1-119937875-T-C. GRCh37 (hg19) VCF-style: chr1-120480498-T-C.
Other names: c.3319A>G, p.Ile1107Val (NM_001200001.2); c.3319A>G (NM_024408.3); short protein forms I1107V.
Identifiers: ClinVar variation 1508840 (VCV001508840.11), dbSNP rs781824405, ClinGen allele CA1040100.

ClinVar aggregate classification (germline): Uncertain significance. Review status: criteria provided, multiple submitters, no conflicts (2 of 4 stars). 2 submissions from 2 submitters: Uncertain significance (2). Last evaluated 2023-12-18.

Conditions:
Hajdu-Cheney syndrome (HJCYS). Also called: Acroosteolysis dominant type; SERPENTINE FIBULA-POLYCYSTIC KIDNEY SYNDROME; ACROOSTEOLYSIS WITH OSTEOPOROSIS AND CHANGES IN SKULL AND MANDIBLE. Identifiers: Orphanet 955, MedGen C0917715, MONDO:0007057, OMIM 102500.

Allele frequency attached by ClinVar (database versions not stated): gnomAD exomes below 0.00001; ExAC 0.00001.
gnomAD v4.1: 2 of 1,614,208 alleles (0.00012%); highest among the groups gnomAD compares: South Asian, 0.0011%; no homozygotes.

Submissions (2):

Labcorp Genetics (formerly Invitae), Labcorp
Classification: Uncertain significance for Hajdu-Cheney syndrome. Last evaluated: 2023-12-18. Review status: criteria provided, single submitter. Criteria: Invitae Variant Classification Sherloc (09022015). Collection method: clinical testing. Allele origin: germline.
Comment: This sequence change replaces isoleucine, which is neutral and non-polar, with valine, which is neutral and non-polar, at codon 1107 of the NOTCH2 protein (p.Ile1107Val). This variant is present in population databases (rs781824405, gnomAD 0.003%). This variant has not been reported in the literature in individuals affected with NOTCH2-related conditions. ClinVar contains an entry for this variant (Variation ID: 1508840). Advanced modeling of protein sequence and biophysical properties (such as structural, functional, and spatial information, amino acid conservation, physicochemical variation, residue mobility, and thermodynamic stability) performed at Invitae indicates that this missense variant is not expected to disrupt NOTCH2 protein function with a negative predictive value of 80%. In summary, the available evidence is currently insufficient to determine the role of this variant in disease. Therefore, it has been classified as a Variant of Uncertain Significance.

Revvity Omics, Revvity
Classification: Uncertain significance. Last evaluated: 2019-09-09. Review status: criteria provided, single submitter. Criteria: ACMG Guidelines, 2015. Collection method: clinical testing. Allele origin: germline.